The following is an entry in ClinVar:

ClinVar aggregate classification (germline): Uncertain significance (1 of 4 stars; one submission).

Conditions:
Severe combined immunodeficiency due to DNA-PKcs deficiency. Also called: Immunodeficiency 26 with or without neurologic abnormalities; IMMUNODEFICIENCY 26 WITH NEUROLOGIC ABNORMALITIES. Identifiers: Orphanet 317425, MedGen C4014833, MONDO:0014423, OMIM 615966.

Submission:

Labcorp Genetics (formerly Invitae), Labcorp
Classification: Uncertain significance for Severe combined immunodeficiency due to DNA-PKcs deficiency. Last evaluated: 2022-02-03. Review status: criteria provided, single submitter. Criteria: Invitae Variant Classification Sherloc (09022015). Collection method: clinical testing. Allele origin: germline.
Comment: In summary, the available evidence is currently insufficient to determine the role of this variant in disease. Therefore, it has been classified as a Variant of Uncertain Significance. Experimental studies and prediction algorithms are not available or were not evaluated, and the functional significance of this variant is currently unknown. This variant has not been reported in the literature in individuals affected with PRKDC-related conditions. This variant is not present in population databases (gnomAD no frequency). This sequence change replaces leucine, which is neutral and non-polar, with valine, which is neutral and non-polar, at codon 4065 of the PRKDC protein (p.Leu4065Val).

NM_006904.7(PRKDC):c.12193C>G (p.Leu4065Val)

Gene: PRKDC (protein kinase, DNA-activated, catalytic subunit; minus strand). Cytogenetic location: 8q11.21.
Variant type: single nucleotide variant.
Coding change: c.12193C>G on transcript NM_006904.7 (MANE Select); coding-DNA position 12193, C replaced by G.
Protein change: p.Leu4065Val; replaces leucine 4065 with valine.
Molecular consequence: missense variant.
Genome position (GRCh38, 1-based): chr8:47,774,367, G>C on the plus strand (C>G on the coding strand, the complement: PRKDC is on the minus strand). VCF-style: chr8-47774367-G-C. GRCh37 (hg19) VCF-style: chr8-48686928-G-C.
Other names: c.12100C>G, p.Leu4034Val (NM_001081640.2); short protein forms L4065V, L4034V.
Identifiers: ClinVar variation 1495038 (VCV001495038.6), dbSNP rs777033203, ClinGen allele CA371126868.